The following is an entry in ClinVar:

ClinVar aggregate classification (germline): Uncertain significance (1 of 4 stars; one submission).

Allele frequency attached by ClinVar (database versions not stated): gnomAD exomes below 0.00001; TOPMed below 0.00001; ExAC 0.00001.
gnomAD v4.1: 6 of 1,614,048 alleles (0.00037%); highest among the groups gnomAD compares: African/African-American, 0.0067%; no homozygotes.

Submission:

Labcorp Genetics (formerly Invitae), Labcorp
Classification: Uncertain significance. Last evaluated: 2021-07-09. Review status: criteria provided, single submitter. Criteria: Invitae Variant Classification Sherloc (09022015). Collection method: clinical testing. Allele origin: germline.
Comment: In summary, the available evidence is currently insufficient to determine the role of this variant in disease. Therefore, it has been classified as a Variant of Uncertain Significance. Algorithms developed to predict the effect of missense changes on protein structure and function (SIFT, PolyPhen-2, Align-GVGD) all suggest that this variant is likely to be tolerated. This variant has not been reported in the literature in individuals affected with ACBD5-related conditions. This variant is present in population databases (rs764326635, ExAC 0.01%). This sequence change replaces lysine with threonine at codon 86 of the ACBD5 protein (p.Lys86Thr). The lysine residue is weakly conserved and there is a moderate physicochemical difference between lysine and threonine.

NM_145698.5(ACBD5):c.257A>C (p.Lys86Thr)

Gene: ACBD5 (acyl-CoA binding domain containing 5; minus strand). Cytogenetic location: 10p12.1.
Variant type: single nucleotide variant.
Coding change: c.257A>C on transcript NM_145698.5 (MANE Select); coding-DNA position 257, A replaced by C.
Protein change: p.Lys86Thr; replaces lysine 86 with threonine.
Molecular consequence: missense variant. On other transcripts: intron variant (7).
Genome position (GRCh38, 1-based): chr10:27,235,137, T>G on the plus strand (A>C on the coding strand, the complement: ACBD5 is on the minus strand). VCF-style: chr10-27235137-T-G. GRCh37 (hg19) VCF-style: chr10-27524066-T-G.
Other names: c.152A>C, p.Lys51Thr (NM_001042473.4, NM_001352574.2, NM_001352575.2 and 6 more transcripts); c.251A>C, p.Lys84Thr (NM_001271512.3, NM_001352571.1, NM_001352586.1 and 1 more transcripts); c.278A>C, p.Lys93Thr (NM_001352568.1, NM_001352572.1); c.257A>C, p.Lys86Thr (NM_001352569.1, NM_001352570.1, NM_001352573.1 and 2 more transcripts); c.-25-3317A>C (NM_001301253.2, NM_001301251.2, NM_001352583.1 and 4 more transcripts); short protein forms K51T, K86T, K84T, K93T.
Identifiers: ClinVar variation 1479860 (VCV001479860.6), dbSNP rs764326635, ClinGen allele CA5451008.